The following is an entry in ClinVar:

ClinVar aggregate classification (germline): Likely pathogenic (1 of 4 stars; one submission).

Conditions:
Glutaric aciduria, type 1. Also called: Glutaricaciduria, type I; Glutaric Acidemia Type 1; GA I; Glutaric acidemia type I; Glutaryl-CoA dehydrogenase deficiency; Glutaricacidemia Type 1. Identifiers: Orphanet 25, MedGen C0268595, MONDO:0009281, OMIM 231670.

Submission:

Labcorp Genetics (formerly Invitae), Labcorp
Classification: Likely pathogenic for Glutaric aciduria, type 1. Last evaluated: 2022-07-03. Review status: criteria provided, single submitter. Criteria: Invitae Variant Classification Sherloc (09022015). Collection method: clinical testing. Allele origin: germline.
Comment: In summary, the currently available evidence indicates that the variant is pathogenic, but additional data are needed to prove that conclusively. Therefore, this variant has been classified as Likely Pathogenic. This variant disrupts the p.Cys115 amino acid residue in GCDH. Other variant(s) that disrupt this residue have been determined to be pathogenic (PMID: 22728054, 27397597, 28062662; Invitae). This suggests that this residue is clinically significant, and that variants that disrupt this residue are likely to be disease-causing. Experimental studies and prediction algorithms are not available or were not evaluated, and the functional significance of this variant is currently unknown. This variant has not been reported in the literature in individuals affected with GCDH-related conditions. This variant is a gross deletion of the genomic region encompassing exon(s) 6 of the GCDH gene. This variant would be expected to be in-frame, preserving the integrity of the reading frame.

Literature cited by the submitters: PubMed 22728054; PubMed 27397597; PubMed 28062662.

NC_000019.9:g.(?_13004287)_(13004477_?)del

Gene: GCDH (glutaryl-CoA dehydrogenase; plus strand). Cytogenetic location: 19p13.2.
Variant type: Deletion.
Identifiers: ClinVar variation 1066412 (VCV001066412.9).